The following is an entry in ClinVar:

NM_000143.4(FH):c.106T>G (p.Phe36Val)

Gene: FH (fumarate hydratase; minus strand). Cytogenetic location: 1q43.
Variant type: single nucleotide variant.
Coding change: c.106T>G on transcript NM_000143.4 (MANE Select); coding-DNA position 106, T replaced by G.
Protein change: p.Phe36Val; replaces phenylalanine 36 with valine.
Molecular consequence: missense variant.
Genome position (GRCh38, 1-based): chr1:241,519,617, A>C on the plus strand (T>G on the coding strand, the complement: FH is on the minus strand). VCF-style: chr1-241519617-A-C. GRCh37 (hg19) VCF-style: chr1-241682917-A-C.
Other names: c.106T>G (NM_000143.3); short protein forms F36V.
Identifiers: ClinVar variation 1697877 (VCV001697877.8), dbSNP rs2147926878, ClinGen allele CA345442689.

ClinVar aggregate classification (germline): Uncertain significance. Review status: criteria provided, multiple submitters, no conflicts (2 of 4 stars). 2 submissions from 2 submitters: Uncertain significance (2). Last evaluated 2025-04-18.

Conditions:
Hereditary cancer-predisposing syndrome. Also called: Hereditary neoplastic syndrome; Tumor predisposition; Neoplastic Syndromes, Hereditary; Hereditary Cancer Syndrome. Identifiers: Orphanet 140162, MedGen C0027672, MeSH D009386, MONDO:0015356.

Submissions (2):

Ambry Genetics
Classification: Uncertain significance for Hereditary cancer-predisposing syndrome. Last evaluated: 2025-04-18. Review status: criteria provided, single submitter. Criteria: Ambry Variant Classification Scheme 2023. Collection method: clinical testing. Allele origin: germline.
Comment: The p.F36V variant (also known as c.106T>G), located in coding exon 1 of the FH gene, results from a T to G substitution at nucleotide position 106. The phenylalanine at codon 36 is replaced by valine, an amino acid with highly similar properties. This amino acid position is conserved. In addition, this alteration is predicted to be tolerated by in silico analysis. Based on the available evidence, the clinical significance of this variant remains unclear.

Center for Genomic Medicine, Rigshospitalet, Copenhagen University Hospital
Classification: Uncertain significance. Last evaluated: 2025-03-04. Review status: criteria provided, single submitter. Criteria: ACMG Guidelines, 2015. Collection method: clinical testing. Allele origin: germline.